The following is an entry in ClinVar:

NM_001267550.2(TTN):c.15025C>T (p.Pro5009Ser)

Gene: TTN (titin; minus strand). Cytogenetic location: 2q31.2.
Variant type: single nucleotide variant.
Coding change: c.15025C>T on transcript NM_001267550.2 (MANE Select); coding-DNA position 15025, C replaced by T.
Protein change: p.Pro5009Ser; replaces proline 5009 with serine.
Molecular consequence: missense variant. On other transcripts: intron variant (3).
Genome position (GRCh38, 1-based): chr2:178,734,899, G>A on the plus strand (C>T on the coding strand, the complement: TTN is on the minus strand). VCF-style: chr2-178734899-G-A. GRCh37 (hg19) VCF-style: chr2-179599626-G-A.
Other names: c.14074C>T, p.Pro4692Ser (NM_001256850.1); c.11293C>T, p.Pro3765Ser (NM_133378.4); c.13282+3183C>T (NM_003319.4); c.13858+3183C>T (NM_133437.4); c.13657+3183C>T (NM_133432.3); short protein forms P3765S, P4692S, P5009S.
Identifiers: ClinVar variation 4072372 (VCV004072372.1).
Genomic context (GRCh38, chr2:178,734,899, plus strand): 5'-GGACTGTGTTACTTTCACTGAGTTCTTTGTTATTTTTAAACCAAGTAACCTGGATCACAG[G>A]TGAGCCTTTCAGCTTGCAATGGAGGCGTGCTGATTCACCTGGGAGCATTAAATAAGAGGG-3'
Protein context (NP_001254479.2, residues 4999-5019): ARLHCKLKGS[Pro5009Ser]VIQVTWFKNN

ClinVar aggregate classification (germline): Uncertain significance (1 of 4 stars; one submission).

Conditions:
Dilated cardiomyopathy 1G (CMD1G). Identifiers: Orphanet 154, MedGen C1858763, MONDO:0011400, OMIM 604145.

Submission:

IMHOTEP Cardiovascular Genetics Laboratory, University of Cape Town
Classification: Uncertain significance for Dilated cardiomyopathy 1G. Last evaluated: 2025-07-14. Review status: criteria provided, single submitter. Criteria: ACMG Guidelines, 2015. Collection method: research. Allele origin: germline. Inheritance: Autosomal unknown. Affected: yes.
Comment: Using ACMG/AMP PM1; BP4 and BP7 criteria, the classification of this variant is "Uncertain Significance".